The following is an entry in ClinVar:

ClinVar aggregate classification (germline): Pathogenic (1 of 4 stars; one submission).

Submission:

GeneDx
Classification: Pathogenic. Last evaluated: 2024-12-16. Review status: criteria provided, single submitter. Criteria: GeneDx Variant Classification Process June 2021. Collection method: clinical testing. Allele origin: germline. Affected: yes.
Comment: Frameshift variant predicted to result in protein truncation or nonsense mediated decay in a gene for which loss of function is a known mechanism of disease; Not observed at significant frequency in large population cohorts (gnomAD); Has not been previously published as pathogenic or benign to our knowledge

NM_000458.4(HNF1B):c.760_773del (p.Lys254fs)

Genes: HNF1B (HNF1 homeobox B; minus strand), LOC126862549 (BRD4-independent group 4 enhancer GRCh37_chr17:36093401-36094600; plus strand). Cytogenetic location: 17q12.
Variant type: Deletion.
Coding change: c.760_773del on transcript NM_000458.4 (MANE Select); coding-DNA positions 760 to 773, 14 bases deleted (AAGAACCCCAGCAA).
Protein change: p.Lys254fs; shifts the reading frame from lysine 254.
Molecular consequence: frameshift variant.
Genome position (GRCh38, 1-based): chr17:37,733,593-37,733,606, TTGCTGGGGTTCTT deleted on the plus strand (AAGAACCCCAGCAA on the coding strand, the reverse complement: HNF1B is on the minus strand); deleting any 14 consecutive bases within chr17:37,733,593-37,733,610 gives the same sequence; the c. name uses the placement nearest the transcript's 3' end. VCF-style (leftmost placement, unchanged base first): chr17-37733592-CTTGCTGGGGTTCTT-C. GRCh37 (hg19) VCF-style: chr17-36093585-CTTGCTGGGGTTCTT-C.
Other names: c.682_695del, p.Lys228fs (NM_001165923.4, NM_001304286.2); c.760_773del, p.Lys254fs (NM_001411100.1); short protein forms K228fs, K254fs.
Identifiers: ClinVar variation 3903285 (VCV003903285.1).